The following is an entry in ClinVar:

NM_000138.5(FBN1):c.7852G>A (p.Gly2618Arg)

Gene: FBN1 (fibrillin 1; minus strand). Cytogenetic location: 15q21.1.
Variant type: single nucleotide variant.
Coding change: c.7852G>A on transcript NM_000138.5 (MANE Select); coding-DNA position 7852, G replaced by A.
Protein change: p.Gly2618Arg; replaces glycine 2618 with arginine.
Molecular consequence: missense variant.
Genome position (GRCh38, 1-based): chr15:48,415,735, C>T on the plus strand (G>A on the coding strand, the complement: FBN1 is on the minus strand). VCF-style: chr15-48415735-C-T. GRCh37 (hg19) VCF-style: chr15-48707932-C-T.
Other names: NM_000138.4(FBN1):c.7852G>A(p.Gly2618Arg); short protein forms G2618R.
Identifiers: ClinVar variation 42434 (VCV000042434.48), dbSNP rs141133182, ClinGen allele CA017420.

ClinVar aggregate classification (germline): Conflicting classifications of pathogenicity. Review status: criteria provided, conflicting classifications (1 of 4 stars). 15 submissions from 15 submitters: Uncertain significance (9); Likely benign (5). 1 of the submissions does not count toward it. Last evaluated 2026-01-26.

Conditions:
Marfan syndrome (MFS). Also called: FBN1-Related Marfan Syndrome; Marfan syndrome, classic; MARFAN SYNDROME, TYPE I; Marfan syndrome type 1; Marfan's syndrome. Identifiers: Orphanet 284963, Orphanet 558, MedGen C0024796, MONDO:0007947, OMIM 154700.
Progeroid and marfanoid aspect-lipodystrophy syndrome. Also called: MARFANOID-PROGEROID-LIPODYSTROPHY SYNDROME; Marfan lipodystrophy syndrome; MARFANOID-PROGEROID SYNDROME; MARFAN-PROGEROID-LIPODYSTROPHY SYNDROME. Identifiers: Orphanet 300382, MedGen C4310796, MONDO:0014831, OMIM 616914.
MASS syndrome (OCTD). Also called: MASS PHENOTYPE; OVERLAP CONNECTIVE TISSUE DISEASE. Identifiers: MedGen C1858556, MONDO:0011431, OMIM 604308.
Geleophysic dysplasia 2 (GPHYSD2). Identifiers: Orphanet 2623, MedGen C3280054, MONDO:0013612, OMIM 614185.
Stiff skin syndrome (SSKS). Identifiers: Orphanet 2833, MedGen C1861456, MONDO:0008492, OMIM 184900.
Ectopia lentis 1, isolated, autosomal dominant (ECTOL1). Identifiers: Orphanet 1885, MedGen C3541518, MONDO:0007514, OMIM 129600.
Weill-Marchesani syndrome 2, dominant. Also called: Weill-Marchesani Syndrome, Autosomal Dominant; FBN1-Related Weill-Marchesani Syndrome. Identifiers: Orphanet 2084, MedGen C1869115, MONDO:0012013, OMIM 608328.
Acromicric dysplasia (ACMICD). Also called: Acromicric skeletal dysplasia. Identifiers: Orphanet 969, MedGen C0265287, MONDO:0007055, OMIM 102370.
Familial thoracic aortic aneurysm and aortic dissection (TAAD). Also called: Thoracic aortic aneurysms and dissections. Identifiers: Orphanet 91387, MedGen C4707243, MONDO:0019625.

Allele frequency attached by ClinVar (database versions not stated): ESP Exome Variant Server 0.00015; 1000 Genomes Project 30x 0.00031; TOPMed 0.00017; gnomAD exomes 0.00021 and 0.00018; ExAC 0.00025; gnomAD 0.00019; 1000 Genomes Project 0.00020.
gnomAD v4.1: 305 of 1,614,198 alleles (0.019%); highest among the groups gnomAD compares: South Asian, 0.04%; no homozygotes.

Submissions 1 to 7 of 15:

Labcorp Genetics (formerly Invitae), Labcorp
Classification: Likely benign for Marfan syndrome; Familial thoracic aortic aneurysm and aortic dissection. Last evaluated: 2026-01-26. Review status: criteria provided, single submitter. Criteria: Invitae Variant Classification Sherloc (09022015). Collection method: clinical testing. Allele origin: germline.

Women's Health and Genetics/Laboratory Corporation of America, LabCorp
Classification: Likely benign. Last evaluated: 2025-07-21. Review status: criteria provided, single submitter. Criteria: LabCorp Variant Classification Summary - May 2015. Collection method: clinical testing. Allele origin: germline.
Comment: Variant summary: FBN1 c.7852G>A (p.Gly2618Arg) results in a non-conservative amino acid change located in the EGF-like domain (IPR000742) of the encoded protein sequence. Algorithms developed to predict the effect of missense changes on protein structure and function all suggest that this variant is likely to be disruptive. The variant allele was found at a frequency of 0.00021 in 251212 control chromosomes, predominantly at a frequency of 0.00049 within the South Asian subpopulation in the gnomAD database. The observed variant frequency within South Asian control individuals in the gnomAD database is approximately 4.36 fold of the estimated maximal expected allele frequency for a pathogenic variant in FBN1 causing Aortopathy phenotype (0.00011). c.7852G>A has been observed in individuals who did not fulfill the revised Ghent criteria: all these patients shared common features of incomplete MFS and presented with minor to major skeletal involvement and minimal to no ocular, cardiovascular and skin involvement (Loeys_2001, Howarth_2007, Comeglio_2007, Turner_2009, Baudhuin_2015, Campens_2015, Damrauer_2019). These data do not allow any conclusion about variant significance. Co-occurrence with another pathogenic variant has been reported (FBN1 c.6431A>G, p.Asn2144Ser), providing supporting evidence for a benign role. To our knowledge, no experimental evidence demonstrating an impact on protein function has been reported. The following publications have been ascertained in the context of this evaluation (PMID: 12203992, 11700157, 11933199, 17657824, 17627385, 19161152, 24941995, 25652356, 25637381, 25944730, 25812041, 19780835, 25644172, 26498160, 27647783, 28301460, 31211626). ClinVar contains an entry for this variant (Variation ID: 42434). Based on the evidence outlined above, the variant was classified as likely benign.

Color Diagnostics, LLC DBA Color Health
Classification: Uncertain significance for Familial thoracic aortic aneurysm and aortic dissection. Last evaluated: 2025-02-03. Review status: criteria provided, single submitter. Criteria: ACMG Guidelines, 2015. Collection method: clinical testing. Allele origin: germline.
Comment: This missense variant replaces glycine with arginine at codon 2618 of the FBN1 protein. Computational prediction suggests that this variant may have a deleterious impact on protein structure and function. This variant has been reported in an individual affected with thoracic aortic dissection (PMID: 25644172), in an individual affected with Marfan syndrome (PMID: 17627385), and in several individuals affected with a Marfan-like phenotype (PMID: 11700157, 17657824, 19161152, 25652356). This variant has also been identified in 55/282620 chromosomes in the general population by the Genome Aggregation Database (gnomAD). The elevated variant allele frequency in the general population indicates that this variant may not be disease-causing. However, additional studies are necessary to determine the role of this variant in disease conclusively. Therefore, this variant is classified as a Variant of Uncertain Significance.

All of Us Research Program, National Institutes of Health
Classification: Uncertain significance for Marfan syndrome. Last evaluated: 2024-09-23. Review status: criteria provided, single submitter. Criteria: ACMG Guidelines, 2015. Collection method: clinical testing. Allele origin: germline. Inheritance: Autosomal dominant inheritance. Observed: 51 variant alleles, 51 heterozygotes.
Comment: This missense variant replaces glycine with arginine at codon 2618 of the FBN1 protein. Computational prediction suggests that this variant may have deleterious impact on protein structure and function (internally defined REVEL score threshold >= 0.7, PMID: 27666373). To our knowledge, functional studies have not been performed for this variant. This variant has been reported in an individual affected with thoracic aortic dissection (PMID: 25644172), as well as in several individuals affected with Marfan syndrome (PMID: 17627385) or with a Marfan-like phenotype (PMID: 11700157, 17657824, 19161152, 25652356). This variant has also been identified in 55/282620 chromosomes in the general population by the Genome Aggregation Database (gnomAD). The relatively high frequency of this variant in the general population suggests that this variant is unlikely to be disease-causing. However, additional studies are necessary to determine the role of this variant in disease conclusively. Therefore, this variant is classified as a Variant of Uncertain Significance.

This study involves interpretation of variants in research participants for the purpose of population health screening. Participant phenotype was not available at the time of variant classification. Additional details can be found in publication PMID: 35346344, PMCID: PMC8962531

Blueprint Genetics
Classification: Likely benign. Last evaluated: 2024-08-12. Review status: criteria provided, single submitter. Criteria: ACMG Guidelines, 2015. Collection method: clinical testing. Allele origin: germline.

CHEO Genetics Diagnostic Laboratory, Children's Hospital of Eastern Ontario
Classification: Likely benign for Familial thoracic aortic aneurysm and aortic dissection. Last evaluated: 2023-05-29. Review status: criteria provided, single submitter. Criteria: ACMG Guidelines, 2015. Collection method: clinical testing. Allele origin: germline.

Ambry Genetics
Classification: Likely benign for Familial thoracic aortic aneurysm and aortic dissection. Last evaluated: 2022-10-19. Review status: criteria provided, single submitter. Criteria: Ambry Variant Classification Scheme 2023. Collection method: clinical testing. Allele origin: germline.